The following is an entry in ClinVar:

ClinVar aggregate classification (germline): Pathogenic (1 of 4 stars; one submission).

Conditions:
Eichsfeld type congenital muscular dystrophy (CMYO3). Also called: SELENON-related myopathy; Congenital myopathy 3 with rigid spine; Rigid spine muscular dystrophy 1; MYOPATHY, SEPN1-RELATED. Identifiers: MedGen C0410180, MONDO:0100100, OMIM 602771.

Submission:

Labcorp Genetics (formerly Invitae), Labcorp
Classification: Pathogenic for Eichsfeld type congenital muscular dystrophy. Last evaluated: 2024-03-06. Review status: criteria provided, single submitter. Criteria: Invitae Variant Classification Sherloc (09022015). Collection method: clinical testing. Allele origin: germline.
Comment: This variant results in the deletion of part of exon 1 (c.-64_36del) of the SELENON gene. It is expected to result in an absent or disrupted protein product. Loss-of-function variants in SELENON are known to be pathogenic (PMID: 21131290, 21670436). The frequency data for this variant in the population databases is considered unreliable, as metrics indicate insufficient coverage at this position in the gnomAD database. This variant has not been reported in the literature in individuals affected with SELENON-related conditions. For these reasons, this variant has been classified as Pathogenic.

Literature cited by the submitters: PubMed 21131290; PubMed 21670436.

NC_000001.11:g.25800167_25800266del

Gene: SELENON (selenoprotein N; plus strand). Cytogenetic location: 1p36.11.
Variant type: Deletion.
Genome position: GRCh38: chr1:25,800,167-25,800,266. GRCh37 (hg19): chr1:26,126,658-26,126,757.
Identifiers: ClinVar variation 665196 (VCV000665196.10), dbSNP rs1572226578, ClinGen allele CA915941177.